The following is an entry in ClinVar:

ClinVar aggregate classification (germline): Pathogenic (1 of 4 stars; one submission).

Conditions:
Tay-Sachs disease (TSD). Also called: HEXA Disorders; HEXA DEFICIENCY; GM2 gangliosidosis, type 1; Hexosaminidase alpha-subunit deficiency (variant B); Sphingolipidosis, Tay-Sachs; Hexosaminidase A Deficiency. Identifiers: Orphanet 845, MedGen C0039373, MONDO:0010100, OMIM 272800.

Allele frequency attached by ClinVar (database versions not stated): gnomAD exomes below 0.00001.
gnomAD v4.1: 3 of 1,614,118 alleles (0.00019%); highest among the groups gnomAD compares: Non-Finnish European, 0.00025%; no homozygotes.

Submission:

Labcorp Genetics (formerly Invitae), Labcorp
Classification: Pathogenic for Tay-Sachs disease. Last evaluated: 2023-09-21. Review status: criteria provided, single submitter. Criteria: Invitae Variant Classification Sherloc (09022015). Collection method: clinical testing. Allele origin: germline.
Comment: This sequence change creates a premature translational stop signal (p.Tyr278*) in the HEXA gene. It is expected to result in an absent or disrupted protein product. Loss-of-function variants in HEXA are known to be pathogenic (PMID: 1833974, 8490625). This variant is not present in population databases (gnomAD no frequency). This variant has not been reported in the literature in individuals affected with HEXA-related conditions. For these reasons, this variant has been classified as Pathogenic.

Literature cited by the submitters: PubMed 1833974; PubMed 8490625.

NM_000520.6(HEXA):c.834C>G (p.Tyr278Ter)

Gene: HEXA (hexosaminidase subunit alpha; minus strand). Cytogenetic location: 15q23.
Variant type: single nucleotide variant.
Coding change: c.834C>G on transcript NM_000520.6 (MANE Select); coding-DNA position 834, C replaced by G.
Protein change: p.Tyr278Ter; replaces tyrosine 278 with a stop codon.
Molecular consequence: nonsense. On other transcripts: non-coding transcript variant (1).
Genome position (GRCh38, 1-based): chr15:72,349,231, G>C on the plus strand (C>G on the coding strand, the complement: HEXA is on the minus strand). VCF-style: chr15-72349231-G-C. GRCh37 (hg19) VCF-style: chr15-72641572-G-C.
Other names: c.867C>G, p.Tyr289Ter (NM_001318825.2); short protein forms Y289*, Y278*.
Identifiers: ClinVar variation 2762385 (VCV002762385.3), dbSNP rs2542523070, ClinGen allele CA393062661.